The following is an entry in ClinVar:

NM_014585.6(SLC40A1):c.1402G>A (p.Gly468Ser)

Gene: SLC40A1 (solute carrier family 40 member 1; minus strand). Cytogenetic location: 2q32.2.
Variant type: single nucleotide variant.
Coding change: c.1402G>A on transcript NM_014585.6 (MANE Select); coding-DNA position 1402, G replaced by A.
Protein change: p.Gly468Ser; replaces glycine 468 with serine.
Molecular consequence: missense variant.
Genome position (GRCh38, 1-based): chr2:189,563,584, C>T on the plus strand (G>A on the coding strand, the complement: SLC40A1 is on the minus strand). VCF-style: chr2-189563584-C-T. GRCh37 (hg19) VCF-style: chr2-190428310-C-T.
Other names: c.1402G>A (NM_014585.5); short protein forms G468S.
Identifiers: ClinVar variation 1016173 (VCV001016173.4), dbSNP rs770079873, ClinGen allele CA2024067.
Genomic context (GRCh38, chr2:189,563,584, plus strand): 5'-CTGAACCTACATTACAAAAAGACACTTTAGTTCATTAATATATAAAAAGAGATTTCTTAC[C>T]GATTCTAGCAGCAATGACGCCTGCAAACAGCAGACTGACAGAGATTATGGGCACAGATTC-3'
Protein context (NP_055400.1, residues 458-478): LFAGVIAARI[Gly468Ser]LWSFDLTVTQ

ClinVar aggregate classification (germline): Uncertain significance. Review status: criteria provided, multiple submitters, no conflicts (2 of 4 stars). 2 submissions from 2 submitters: Uncertain significance (2). Last evaluated 2025-10-29.

Conditions:
SLC40A1-related disorder. Also called: SLC40A1-related condition.
Hemochromatosis type 4 (HFE4). Also called: HEMOCHROMATOSIS DUE TO DEFECT IN FERROPORTIN; HEMOCHROMATOSIS, AUTOSOMAL DOMINANT; Ferroportin disease. Identifiers: Orphanet 139491, Orphanet 647834, Orphanet 648562, MedGen C1853733, MONDO:0011631, OMIM 606069.

Allele frequency attached by ClinVar (database versions not stated): gnomAD exomes below 0.00001 and 0.00001; TOPMed below 0.00001; ExAC 0.00001.
gnomAD v4.1: 8 of 1,612,722 alleles (0.0005%); highest among the groups gnomAD compares: Middle Eastern, 0.017%; no homozygotes.

Submissions (2):

Labcorp Genetics (formerly Invitae), Labcorp
Classification: Uncertain significance for Hemochromatosis type 4. Last evaluated: 2025-10-29. Review status: criteria provided, single submitter. Criteria: Invitae Variant Classification Sherloc (09022015). Collection method: clinical testing. Allele origin: germline.
Comment: This sequence change affects codon 468 of the SLC40A1 mRNA. It is a 'silent' change, meaning that it does not change the encoded amino acid sequence of the SLC40A1 protein. RNA analysis indicates that this variant induces altered splicing and may result in an absent or disrupted protein product. However, the current clinical and genetic evidence is not sufficient to establish whether loss-of-function variants in SLC40A1 cause disease. This variant is present in population databases (rs770079873, gnomAD 0.006%). This variant has been observed in individual(s) with mild hemochromatosis (PMID: 18160816). ClinVar contains an entry for this variant (Variation ID: 1016173). Invitae Evidence Modeling of protein sequence and biophysical properties (such as structural, functional, and spatial information, amino acid conservation, physicochemical variation, residue mobility, and thermodynamic stability) indicates that this missense variant is expected to disrupt SLC40A1 protein function with a positive predictive value of 95%. Variants that disrupt the consensus splice site are a relatively common cause of aberrant splicing (PMID: 17576681, 9536098). Studies have shown that this variant results in activation of a cryptic splice site in exon 7 and introduces a premature termination codon (PMID: 18160816, 33341511). The resulting mRNA is expected to undergo nonsense-mediated decay. In summary, the available evidence is currently insufficient to determine the role of this variant in disease. Therefore, it has been classified as a Variant of Uncertain Significance.

PreventionGenetics, part of Exact Sciences
Classification: Uncertain significance for SLC40A1-related condition. Last evaluated: 2024-10-24. Review status: criteria provided, single submitter. Criteria: ACMG Guidelines, 2015. Collection method: clinical testing. Allele origin: germline.
Comment: The SLC40A1 c.1402G>A variant is predicted to result in the amino acid substitution p.Gly468Ser. This variant is located in the last nucleotide of exon 7 before the splice junction and has conflicting evidence regarding its impact on splicing based on available splicing prediction programs (Alamut Visual v1.6.1 and SpliceAI, Jaganathan et al. 2019. PubMed ID: 30661751). This variant has been reported in an individual with mild anemia and hyperferritinemia (Lee et al. 2007. PubMed ID: 18160816). RT-PCR studies suggest this variant results in two aberrant transcripts, one full-length transcript harboring the p.Gly468Ser change and one truncated transcript generated from use of a cryptic splice donor site within exon 7, described as c.990_1402del (p.Tyr331Serfs*5) (Lee et al. 2007. PubMed ID: 18160816; Le Tertre et al. 2020. PubMed ID: 33341511). A functional study using HEK293T cells indicates the full-length transcript harboring the p.Gly468Ser change has no impact on iron export function (Le Tertre et al. 2020. PubMed ID: 33341511). This variant is reported in 0.0055% of alleles in individuals of East Asian descent in gnomAD. Although we suspect that this variant may be pathogenic, at this time, the clinical significance of this variant is uncertain due to the absence of conclusive functional and genetic evidence.

Literature cited by the submitters: PubMed 18160816 (cited by Labcorp Genetics (formerly Invitae), Labcorp); PubMed 17576681 (cited by Labcorp Genetics (formerly Invitae), Labcorp); PubMed 9536098 (cited by Labcorp Genetics (formerly Invitae), Labcorp); PubMed 33341511 (cited by Labcorp Genetics (formerly Invitae), Labcorp).